The following is an entry in ClinVar:

NM_000103.4(CYP19A1):c.1058T>A (p.Leu353Ter)

Genes: CYP19A1 (cytochrome P450 family 19 subfamily A member 1; minus strand), MIR4713HG (MIR4713 host gene; plus strand), PIRC66 (piwi-interacting RNA cluster 66; plus strand). Cytogenetic location: 15q21.2.
Variant type: single nucleotide variant.
Coding change: c.1058T>A on transcript NM_000103.4 (MANE Select); coding-DNA position 1058, T replaced by A.
Protein change: p.Leu353Ter; replaces leucine 353 with a stop codon.
Molecular consequence: nonsense.
Genome position (GRCh38, 1-based): chr15:51,212,525, A>T on the plus strand (T>A on the coding strand, the complement: CYP19A1 is on the minus strand). VCF-style: chr15-51212525-A-T. GRCh37 (hg19) VCF-style: chr15-51504722-A-T.
Other names: c.1058T>A, p.Leu353Ter (NM_001347248.1, NM_001347249.2, NM_001347250.2 and 7 more transcripts); short protein forms L353*.
Identifiers: ClinVar variation 2000107 (VCV002000107.4), dbSNP rs2542394345, ClinGen allele CA392424978.

ClinVar aggregate classification (germline): Pathogenic (1 of 4 stars; one submission).

Submission:

Labcorp Genetics (formerly Invitae), Labcorp
Classification: Pathogenic. Last evaluated: 2022-09-13. Review status: criteria provided, single submitter. Criteria: Invitae Variant Classification Sherloc (09022015). Collection method: clinical testing. Allele origin: germline.
Comment: For these reasons, this variant has been classified as Pathogenic. This variant has not been reported in the literature in individuals affected with CYP19A1-related conditions. This variant is not present in population databases (gnomAD no frequency). This sequence change creates a premature translational stop signal (p.Leu353*) in the CYP19A1 gene. It is expected to result in an absent or disrupted protein product. Loss-of-function variants in CYP19A1 are known to be pathogenic (PMID: 14602738, 27086564, 27256151).

Literature cited by the submitters: PubMed 14602738; PubMed 27086564; PubMed 27256151.